The following is an entry in ClinVar:

ClinVar aggregate classification (germline): Uncertain significance (1 of 4 stars; one submission).

Conditions:
Familial thoracic aortic aneurysm and aortic dissection (TAAD). Also called: Thoracic aortic aneurysms and dissections. Identifiers: Orphanet 91387, MedGen C4707243, MONDO:0019625.

Submission:

Ambry Genetics
Classification: Uncertain significance for Familial thoracic aortic aneurysm and aortic dissection. Last evaluated: 2023-12-22. Review status: criteria provided, single submitter. Criteria: Ambry Variant Classification Scheme 2023. Collection method: clinical testing. Allele origin: germline.
Comment: The p.M167V variant (also known as c.499A>G), located in coding exon 2 of the SLC2A10 gene, results from an A to G substitution at nucleotide position 499. The methionine at codon 167 is replaced by valine, an amino acid with highly similar properties. This amino acid position is conserved. In addition, this alteration is predicted to be deleterious by in silico analysis. Since supporting evidence is limited at this time, the clinical significance of this alteration remains unclear.

NM_030777.4(SLC2A10):c.499A>G (p.Met167Val)

Gene: SLC2A10 (solute carrier family 2 member 10; plus strand). Cytogenetic location: 20q13.12.
Variant type: single nucleotide variant.
Coding change: c.499A>G on transcript NM_030777.4 (MANE Select); coding-DNA position 499, A replaced by G.
Protein change: p.Met167Val; replaces methionine 167 with valine.
Molecular consequence: missense variant.
Genome position (GRCh38, 1-based): chr20:46,725,535, A>G. VCF-style: chr20-46725535-A-G. GRCh37 (hg19) VCF-style: chr20-45354174-A-G.
Other names: short protein forms M167V.
Identifiers: ClinVar variation 3228070 (VCV003228070.1), dbSNP rs2515588507, ClinGen allele CA409267129.